The following is an entry in ClinVar:

ClinVar aggregate classification (germline): Uncertain significance (1 of 4 stars; one submission).

Conditions:
Hypophosphatasia. Also called: Phosphoethanol-aminuria. Identifiers: Orphanet 436, MedGen C0020630, MeSH D007014, MONDO:0018570.

Submission:

Genomenon, Inc
Classification: Uncertain significance for Hypophosphatasia. Last evaluated: 2026-09-01. Review status: criteria provided, single submitter. Criteria: Genomenon Sequence Variant Interpretation Standards - Updated. Collection method: curation. Allele origin: germline. Affected: yes.
Comment: ALPL p.Asp458Val (c.1373A>T) is a missense variant that changes the amino acid at codon 458 from Aspartic acid to Valine. This variant has been observed in at least one proband affected with an ALPL-related disorder (PMID:37351650). It is absent or not present at a significant frequency in gnomAD. In silico models predict that this variant is possibly or probably damaging. In conclusion, we classify ALPL p.Asp458Val (c.1373A>T) as a variant of uncertain significance.

Literature cited by the submitters: PubMed 37351650.

NM_000478.6(ALPL):c.1373A>T (p.Asp458Val)

Gene: ALPL (alkaline phosphatase, biomineralization associated; plus strand). Cytogenetic location: 1p36.12.
Variant type: single nucleotide variant.
Coding change: c.1373A>T on transcript NM_000478.6 (MANE Select); coding-DNA position 1373, A replaced by T.
Protein change: p.Asp458Val; replaces aspartic acid 458 with valine.
Molecular consequence: missense variant.
Genome position (GRCh38, 1-based): chr1:21,577,446, A>T. VCF-style: chr1-21577446-A-T. GRCh37 (hg19) VCF-style: chr1-21903939-A-T.
Other names: c.1208A>T, p.Asp403Val (NM_001127501.4); c.1142A>T, p.Asp381Val (NM_001177520.3); c.1373A>T, p.Asp458Val (NM_001369803.2, NM_001369804.2, NM_001369805.2); short protein forms D381V, D403V, D458V.
Identifiers: ClinVar variation 4974792 (VCV004974792.1).